The following is an entry in ClinVar:

ClinVar aggregate classification (germline): Uncertain significance. Review status: criteria provided, multiple submitters, no conflicts (2 of 4 stars). 2 submissions from 2 submitters: Uncertain significance (2). Last evaluated 2024-12-23.

Conditions:
Episodic kinesigenic dyskinesia (EKD). Also called: Paroxysmal kinesigenic dyskinesia. Identifiers: Orphanet 98809, MedGen C1868682, MONDO:0044202.

Submissions (2):

GeneDx
Classification: Uncertain significance. Last evaluated: 2024-12-23. Review status: criteria provided, single submitter. Criteria: GeneDx Variant Classification Process June 2021. Collection method: clinical testing. Allele origin: germline. Affected: yes.
Comment: Not observed at significant frequency in large population cohorts (gnomAD); In silico analysis supports that this missense variant has a deleterious effect on protein structure/function; Has not been previously published as pathogenic or benign to our knowledge

Labcorp Genetics (formerly Invitae), Labcorp
Classification: Uncertain significance for Episodic kinesigenic dyskinesia. Last evaluated: 2023-08-31. Review status: criteria provided, single submitter. Criteria: Invitae Variant Classification Sherloc (09022015). Collection method: clinical testing. Allele origin: germline.
Comment: In summary, the available evidence is currently insufficient to determine the role of this variant in disease. Therefore, it has been classified as a Variant of Uncertain Significance. Advanced modeling of protein sequence and biophysical properties (such as structural, functional, and spatial information, amino acid conservation, physicochemical variation, residue mobility, and thermodynamic stability) performed at Invitae indicates that this missense variant is not expected to disrupt PRRT2 protein function. This variant has not been reported in the literature in individuals affected with PRRT2-related conditions. This variant is not present in population databases (gnomAD no frequency). This sequence change replaces serine, which is neutral and polar, with phenylalanine, which is neutral and non-polar, at codon 6 of the PRRT2 protein (p.Ser6Phe).

NM_145239.3(PRRT2):c.17C>T (p.Ser6Phe)

Genes: MVP-DT (MVP divergent transcript; minus strand), PRRT2 (proline rich transmembrane protein 2; plus strand). Cytogenetic location: 16p11.2.
Variant type: single nucleotide variant.
Coding change: c.17C>T on transcript NM_145239.3 (MANE Select); coding-DNA position 17, C replaced by T.
Protein change: p.Ser6Phe; replaces serine 6 with phenylalanine.
Molecular consequence: missense variant.
Genome position (GRCh38, 1-based): chr16:29,813,071, C>T. VCF-style: chr16-29813071-C-T. GRCh37 (hg19) VCF-style: chr16-29824392-C-T.
Other names: c.17C>T, p.Ser6Phe (NM_001256442.2, NM_001256443.2); short protein forms S6F.
Identifiers: ClinVar variation 2920091 (VCV002920091.4), dbSNP rs2543330649, ClinGen allele CA395476996.
Genomic context (GRCh38, chr16:29,813,071, plus strand): 5'-TTCCATCCTCCCCATAGGGGCTCTCTCCCCTCTCCCATCTCAAGATGGCAGCCAGCAGCT[C>T]TGAGATCTCTGAGATGAAGGGGGTTGAGGAGAGTCCCAAGGTTCCAGGCGAAGGGCCTGG-3'
Protein context (NP_660282.2, residues 1-16): MAASS[Ser6Phe]EISEMKGVEE